The following is an entry in ClinVar:

ClinVar aggregate classification (germline): Uncertain significance (1 of 4 stars; one submission).

Conditions:
Epidermolysis bullosa simplex with nail dystrophy (EBS5D). Identifiers: MedGen C4225309, MONDO:0014661, OMIM 616487.
Epidermolysis bullosa simplex 5B, with muscular dystrophy (EBS5B). Also called: EPIDERMOLYSIS BULLOSA SIMPLEX AND LIMB-GIRDLE MUSCULAR DYSTROPHY; Epidermolysis bullosa simplex with muscular dystrophy. Identifiers: Orphanet 257, MedGen C2931072, MONDO:0009181, OMIM 226670.
Epidermolysis bullosa simplex, Ogna type (EBS5A). Also called: Pidermolysis bullosa simplex 5A, Ogna type; EPIDERMOLYSIS BULLOSA SIMPLEX 5A, OGNA TYPE. Identifiers: Orphanet 79401, MedGen C0432317, MONDO:0007555, OMIM 131950.
Epidermolysis bullosa simplex 5C, with pyloric atresia (EBS5C). Also called: Epidermolysis bullosa simplex with pyloric atresia; PLEC-Related Epidermolysis Bullosa with Pyloric Atresia; PLEC1-Related Epidermolysis Bullosa with Pyloric Atresia. Identifiers: Orphanet 158684, MedGen C2677349, MONDO:0012807, OMIM 612138.
Autosomal recessive limb-girdle muscular dystrophy type 2Q (LGMDR17). Also called: MUSCULAR DYSTROPHY, LIMB-GIRDLE, AUTOSOMAL RECESSIVE 17. Identifiers: Orphanet 254361, MedGen C3150989, MONDO:0013390, OMIM 613723.

Submission:

Labcorp Genetics (formerly Invitae), Labcorp
Classification: Uncertain significance for Autosomal recessive limb-girdle muscular dystrophy type 2Q; Epidermolysis bullosa simplex, Ogna type; Epidermolysis bullosa simplex with nail dystrophy; Epidermolysis bullosa simplex 5C, with pyloric atresia; Epidermolysis bullosa simplex 5B, with muscular dystrophy. Last evaluated: 2022-04-02. Review status: criteria provided, single submitter. Criteria: Invitae Variant Classification Sherloc (09022015). Collection method: clinical testing. Allele origin: germline.
Comment: In summary, the available evidence is currently insufficient to determine the role of this variant in disease. Therefore, it has been classified as a Variant of Uncertain Significance. Algorithms developed to predict the effect of missense changes on protein structure and function are either unavailable or do not agree on the potential impact of this missense change (SIFT: "Deleterious"; PolyPhen-2: "Not Available"; Align-GVGD: "Class C25"). This variant has not been reported in the literature in individuals affected with PLEC-related conditions. This variant is not present in population databases (gnomAD no frequency). This sequence change replaces glutamic acid, which is acidic and polar, with glutamine, which is neutral and polar, at codon 1790 of the PLEC protein (p.Glu1790Gln).

NM_201384.3(PLEC):c.5287G>C (p.Glu1763Gln)

Gene: PLEC (plectin; minus strand). Cytogenetic location: 8q24.3.
Variant type: single nucleotide variant.
Coding change: c.5287G>C on transcript NM_201384.3 (MANE Select); coding-DNA position 5287, G replaced by C.
Protein change: p.Glu1763Gln; replaces glutamic acid 1763 with glutamine.
Molecular consequence: missense variant.
Genome position (GRCh38, 1-based): chr8:143,924,642, C>G on the plus strand (G>C on the coding strand, the complement: PLEC is on the minus strand). VCF-style: chr8-143924642-C-G. GRCh37 (hg19) VCF-style: chr8-144998810-C-G.
Other names: c.5368G>C, p.Glu1790Gln (NM_000445.5); c.5245G>C, p.Glu1749Gln (NM_201378.4); c.5221G>C, p.Glu1741Gln (NM_201379.3); c.5698G>C, p.Glu1900Gln (NM_201380.4); c.5191G>C, p.Glu1731Gln (NM_201381.3); c.5287G>C, p.Glu1763Gln (NM_201382.4); c.5299G>C, p.Glu1767Gln (NM_201383.3); short protein forms E1731Q, E1741Q, E1763Q, E1767Q, E1749Q, E1790Q, E1900Q.
Identifiers: ClinVar variation 2185078 (VCV002185078.4), dbSNP rs1257910796, ClinGen allele CA372546500.
Genomic context (GRCh38, chr8:143,924,642, plus strand): 5'-CGCTGGTGGAGCGCGACTCCTCCTCAGCCCTCGCCTTGCTGGCCAGCAGCACCTCCATCT[C>G]GGCCCGCACCTTGGCCAGCTCGGCTTCCAGCTCCTGCCGTTTCTGCGTGGCTGCAGCCGC-3'
Protein context (NP_958786.1, residues 1753-1773): LEAELAKVRA[Glu1763Gln]MEVLLASKAR